The following is an entry in ClinVar:

NM_004990.4(MARS1):c.1241G>A (p.Arg414Gln)

Gene: MARS1 (methionyl-tRNA synthetase 1; plus strand). Cytogenetic location: 12q13.3.
Variant type: single nucleotide variant.
Coding change: c.1241G>A on transcript NM_004990.4 (MANE Select); coding-DNA position 1241, G replaced by A.
Protein change: p.Arg414Gln; replaces arginine 414 with glutamine.
Molecular consequence: missense variant.
Genome position (GRCh38, 1-based): chr12:57,500,470, G>A. VCF-style: chr12-57500470-G-A. GRCh37 (hg19) VCF-style: chr12-57894253-G-A.
Other names: short protein forms R414Q.
Identifiers: ClinVar variation 917031 (VCV000917031.11), dbSNP rs1280661109, ClinGen allele CA385458341.

ClinVar aggregate classification (germline): Uncertain significance. Review status: criteria provided, multiple submitters, no conflicts (2 of 4 stars). 3 submissions from 3 submitters: Uncertain significance (3). Last evaluated 2023-09-01.

Conditions:
Severe early-onset pulmonary alveolar proteinosis due to MARS deficiency. Also called: PULMONARY ALVEOLAR PROTEINOSIS, REUNION ISLAND; Interstitial lung and liver disease. Identifiers: Orphanet 440427, MedGen C4225400, MONDO:0014206, OMIM 615486.
Charcot-Marie-Tooth disease axonal type 2U. Also called: CHARCOT-MARIE-TOOTH DISEASE, AXONAL, AUTOSOMAL DOMINANT, TYPE 2U; CHARCOT-MARIE-TOOTH NEUROPATHY, TYPE 2U. Identifiers: Orphanet 397735, MedGen C4084821, MONDO:0014566, OMIM 616280.
Charcot-Marie-Tooth disease. Also called: Charcot-Marie-Tooth Hereditary Neuropathy; Charcot-Marie-Tooth Neuropathy. Identifiers: Orphanet 166, MedGen C0007959, MONDO:0015626.

Allele frequency attached by ClinVar (database versions not stated): gnomAD 0.00001; TOPMed 0.00002.
gnomAD v4.1: 33 of 1,614,066 alleles (0.002%); highest among the groups gnomAD compares: Non-Finnish European, 0.0026%; no homozygotes.

Submissions (3):

Labcorp Genetics (formerly Invitae), Labcorp
Classification: Uncertain significance for Charcot-Marie-Tooth disease axonal type 2U; Severe early-onset pulmonary alveolar proteinosis due to MARS deficiency. Last evaluated: 2023-09-01. Review status: criteria provided, single submitter. Criteria: Invitae Variant Classification Sherloc (09022015). Collection method: clinical testing. Allele origin: germline.
Comment: This missense change has been observed in individual(s) with Charcot-Marie-Tooth disease (PMID: 32376792). This variant is not present in population databases (gnomAD no frequency). This sequence change replaces arginine, which is basic and polar, with glutamine, which is neutral and polar, at codon 414 of the MARS protein (p.Arg414Gln). ClinVar contains an entry for this variant (Variation ID: 917031). In summary, the available evidence is currently insufficient to determine the role of this variant in disease. Therefore, it has been classified as a Variant of Uncertain Significance. An algorithm developed to predict the effect of missense changes on protein structure and function (PolyPhen-2) suggests that this variant is likely to be disruptive.

Ambry Genetics
Classification: Uncertain significance. Last evaluated: 2021-07-14. Review status: criteria provided, single submitter. Criteria: Ambry Variant Classification Scheme 2023. Collection method: clinical testing. Allele origin: germline.
Comment: The p.R414Q variant (also known as c.1241G>A), located in coding exon 10 of the MARS gene, results from a G to A substitution at nucleotide position 1241. The arginine at codon 414 is replaced by glutamine, an amino acid with highly similar properties. This amino acid position is conserved. In addition, this alteration is predicted to be deleterious by in silico analysis. Since supporting evidence is limited at this time, the clinical significance of this alteration remains unclear.

Molecular Genetics Laboratory, London Health Sciences Centre
Classification: Uncertain significance for Charcot-Marie-Tooth disease. Review status: criteria provided, single submitter. Criteria: ACMG Guidelines, 2015. Collection method: clinical testing. Allele origin: germline. Affected: yes.

Literature cited by the submitters: PubMed 32376792 (cited by Labcorp Genetics (formerly Invitae), Labcorp).